The following is an entry in ClinVar:

NM_004959.5(NR5A1):c.105del (p.Phe36fs)

Gene: NR5A1 (nuclear receptor subfamily 5 group A member 1; minus strand). Cytogenetic location: 9q33.3.
Variant type: Deletion.
Coding change: c.105del on transcript NM_004959.5 (MANE Select); coding-DNA position 105, one base deleted (C; older notation c.105delC).
Protein change: p.Phe36fs; shifts the reading frame from phenylalanine 36.
Molecular consequence: frameshift variant.
Genome position (GRCh38, 1-based): chr9:124,503,218, G deleted on the plus strand (C on the coding strand, the reverse complement: NR5A1 is on the minus strand). VCF-style (leftmost placement, unchanged base first): chr9-124503217-AG-A. GRCh37 (hg19) VCF-style: chr9-127265496-AG-A.
Other names: short protein forms F36fs.
Identifiers: ClinVar variation 3757286 (VCV003757286.2).

ClinVar aggregate classification (germline): Pathogenic (1 of 4 stars; one submission).

Conditions:
46 XY differences of sex development. Also called: 46, XY disorder of sex development (DSD); 46,XY disorder of sex development. Identifiers: Orphanet 98085, MedGen C2751824, MONDO:0020040.
Oligosynaptic infertility (SPGF1). Also called: SPERMATOGENIC FAILURE 1; OLIGOCHIASMATIC INFERTILITY. Identifiers: MedGen C0403810, MONDO:0009776, OMIM 258150.

Submission:

Labcorp Genetics (formerly Invitae), Labcorp
Classification: Pathogenic for 46 XY differences of sex development; Oligosynaptic infertility. Last evaluated: 2024-07-17. Review status: criteria provided, single submitter. Criteria: Invitae Variant Classification Sherloc (09022015). Collection method: clinical testing. Allele origin: germline.
Comment: This sequence change creates a premature translational stop signal (p.Phe36Serfs*39) in the NR5A1 gene. It is expected to result in an absent or disrupted protein product. Loss-of-function variants in NR5A1 are known to be pathogenic (PMID: 10369247, 12907682, 19246354). This variant is not present in population databases (gnomAD no frequency). This variant has not been reported in the literature in individuals affected with NR5A1-related conditions. For these reasons, this variant has been classified as Pathogenic.

Literature cited by the submitters: PubMed 10369247; PubMed 12907682; PubMed 19246354.